The following is an entry in ClinVar:

ClinVar aggregate classification (germline): Uncertain significance (1 of 4 stars; one submission).

Submission:

GeneDx
Classification: Uncertain significance. Last evaluated: 2020-01-21. Review status: criteria provided, single submitter. Criteria: GeneDx Variant Classification Process June 2021. Collection method: clinical testing. Allele origin: germline. Affected: yes.
Comment: Not observed in large population cohorts (Lek et al., 2016); In silico analysis, which includes protein predictors and evolutionary conservation, supports that this variant does not alter protein structure/function; Has not been previously published as pathogenic or benign to our knowledge

NM_001356.5(DDX3X):c.1868G>T (p.Ser623Ile)

Gene: DDX3X (DEAD-box helicase 3 X-linked; plus strand). Cytogenetic location: Xp11.4.
Variant type: single nucleotide variant.
Coding change: c.1868G>T on transcript NM_001356.5 (MANE Select); coding-DNA position 1868, G replaced by T.
Protein change: p.Ser623Ile; replaces serine 623 with isoleucine.
Molecular consequence: missense variant. On other transcripts: non-coding transcript variant (1).
Genome position (GRCh38, 1-based): chrX:41,347,410, G>T. VCF-style: chrX-41347410-G-T. GRCh37 (hg19) VCF-style: chrX-41206663-G-T.
Other names: c.1865G>T, p.Ser622Ile (NM_001193416.3); c.1820G>T, p.Ser607Ile (NM_001193417.3); c.1307G>T, p.Ser436Ile (NM_001363819.1); short protein forms S622I, S623I, S436I, S607I.
Identifiers: ClinVar variation 451693 (VCV000451693.3), dbSNP rs1555954556, ClinGen allele CA412779418.